The following is an entry in ClinVar:

NM_015932.6(POMP):c.334A>C (p.Ile112Leu)

Gene: POMP (proteasome maturation protein; plus strand). Cytogenetic location: 13q12.3.
Variant type: single nucleotide variant.
Coding change: c.334A>C on transcript NM_015932.6 (MANE Select); coding-DNA position 334, A replaced by C.
Protein change: p.Ile112Leu; replaces isoleucine 112 with leucine.
Molecular consequence: missense variant.
Genome position (GRCh38, 1-based): chr13:28,672,408, A>C. VCF-style: chr13-28672408-A-C. GRCh37 (hg19) VCF-style: chr13-29246545-A-C.
Other names: short protein forms I112L.
Identifiers: ClinVar variation 2788074 (VCV002788074.3), dbSNP rs143612256, ClinGen allele CA387804178.

ClinVar aggregate classification (germline): Uncertain significance (1 of 4 stars; one submission).

Submission:

Labcorp Genetics (formerly Invitae), Labcorp
Classification: Uncertain significance. Last evaluated: 2022-12-20. Review status: criteria provided, single submitter. Criteria: Invitae Variant Classification Sherloc (09022015). Collection method: clinical testing. Allele origin: germline.
Comment: This variant is not present in population databases (gnomAD no frequency). This sequence change replaces isoleucine, which is neutral and non-polar, with leucine, which is neutral and non-polar, at codon 112 of the POMP protein (p.Ile112Leu). This variant has not been reported in the literature in individuals affected with POMP-related conditions. In summary, the available evidence is currently insufficient to determine the role of this variant in disease. Therefore, it has been classified as a Variant of Uncertain Significance. Algorithms developed to predict the effect of missense changes on protein structure and function are either unavailable or do not agree on the potential impact of this missense change (SIFT: "Deleterious"; PolyPhen-2: "Benign"; Align-GVGD: "Class C0").